The following is an entry in ClinVar:

ClinVar aggregate classification (germline): Uncertain significance (1 of 4 stars; one submission).

Submission:

Ambry Genetics
Classification: Uncertain significance. Last evaluated: 2025-11-03. Review status: criteria provided, single submitter. Criteria: Ambry Variant Classification Scheme 2023. Collection method: clinical testing. Allele origin: germline.
Comment: The c.685C>G (p.P229A) alteration is located in exon 7 (coding exon 6) of the ADRM1 gene. This alteration results from a C to G substitution at nucleotide position 685, causing the proline (P) at amino acid position 229 to be replaced by an alanine (A). Based on data from gnomAD, the G allele has an overall frequency of 0.002% (5/278204) total alleles studied. The highest observed frequency was 0.02% (5/24662) of African alleles. Based on insufficient or conflicting evidence, the clinical significance of this alteration remains unclear.

NM_007002.4(ADRM1):c.685C>G (p.Pro229Ala)

Gene: ADRM1 (ADRM1 26S proteasome ubiquitin receptor; plus strand). Cytogenetic location: 20q13.33.
Variant type: single nucleotide variant.
Coding change: c.685C>G on transcript NM_007002.4 (MANE Select); coding-DNA position 685, C replaced by G.
Protein change: p.Pro229Ala; replaces proline 229 with alanine.
Molecular consequence: missense variant.
Genome position (GRCh38, 1-based): chr20:62,307,657, C>G. VCF-style: chr20-62307657-C-G. GRCh37 (hg19) VCF-style: chr20-60882713-C-G.
Other names: c.568C>G, p.Pro190Ala (NM_001281437.1, NM_001281438.1); c.685C>G, p.Pro229Ala (NM_175573.2); short protein forms P190A, P229A.
Identifiers: ClinVar variation 4638668 (VCV004638668.1).